The following is an entry in ClinVar:

ClinVar aggregate classification (germline): Conflicting classifications of pathogenicity. Review status: criteria provided, conflicting classifications (1 of 4 stars). 3 submissions from 3 submitters: Uncertain significance (2); Likely benign (1). Last evaluated 2023-05-11.

Conditions:
Hereditary breast ovarian cancer syndrome. Also called: Hereditary breast and ovarian cancer syndrome (HBOC); Breast and ovarian cancer; BRCA1- and BRCA2-Associated Hereditary Breast and Ovarian Cancer; Hereditary breast and/or ovarian cancer syndrome; Hereditary breast and ovarian cancer syndrome; Hereditary breast and ovarian cancer. Identifiers: Orphanet 145, MedGen C0677776, MeSH D061325, MONDO:0003582. Disease mechanism: loss of function.
Hereditary cancer-predisposing syndrome. Also called: Tumor predisposition; Hereditary neoplastic syndrome; Neoplastic Syndromes, Hereditary; Hereditary Cancer Syndrome. Identifiers: Orphanet 140162, MedGen C0027672, MeSH D009386, MONDO:0015356.

Allele frequency attached by ClinVar (database versions not stated): TOPMed below 0.00001.

Submissions (3):

Labcorp Genetics (formerly Invitae), Labcorp
Classification: Uncertain significance for Hereditary breast ovarian cancer syndrome. Last evaluated: 2023-05-11. Review status: criteria provided, single submitter. Criteria: Invitae Variant Classification Sherloc (09022015). Collection method: clinical testing. Allele origin: germline.
Comment: This variant is not present in population databases (gnomAD no frequency). This sequence change replaces aspartic acid, which is acidic and polar, with asparagine, which is neutral and polar, at codon 479 of the BRCA2 protein (p.Asp479Asn). This variant has not been reported in the literature in individuals affected with BRCA2-related conditions. In summary, the available evidence is currently insufficient to determine the role of this variant in disease. Therefore, it has been classified as a Variant of Uncertain Significance. Advanced modeling of protein sequence and biophysical properties (such as structural, functional, and spatial information, amino acid conservation, physicochemical variation, residue mobility, and thermodynamic stability) performed at Invitae indicates that this missense variant is not expected to disrupt BRCA2 protein function. ClinVar contains an entry for this variant (Variation ID: 819207).

University of Washington Department of Laboratory Medicine, University of Washington
Classification: Likely benign for Hereditary cancer-predisposing syndrome. Last evaluated: 2023-03-23. Review status: criteria provided, single submitter. Criteria: Dines et al. (Genet Med. 2020). Collection method: curation. Allele origin: germline.
Comment: Missense variant in a coldspot region where missense variants are very unlikely to be pathogenic (PMID:31911673).

BRCA2 exon 10 coldspot. Reclassification based on statistical prior probability.

Ambry Genetics
Classification: Uncertain significance for Hereditary cancer-predisposing syndrome. Last evaluated: 2019-07-01. Review status: criteria provided, single submitter. Criteria: Ambry Variant Classification Scheme 2023. Collection method: clinical testing. Allele origin: germline.
Comment: The p.D479N variant (also known as c.1435G>A), located in coding exon 9 of the BRCA2 gene, results from a G to A substitution at nucleotide position 1435. The aspartic acid at codon 479 is replaced by asparagine, an amino acid with highly similar properties. This amino acid position is well conserved in available vertebrate species. In addition, this alteration is predicted to be tolerated by in silico analysis. Since supporting evidence is limited at this time, the clinical significance of this alteration remains unclear.

NM_000059.4(BRCA2):c.1435G>A (p.Asp479Asn)

Gene: BRCA2 (BRCA2 DNA repair associated; plus strand). Cytogenetic location: 13q13.1.
Variant type: single nucleotide variant.
Coding change: c.1435G>A on transcript NM_000059.4 (MANE Select); coding-DNA position 1435, G replaced by A.
Protein change: p.Asp479Asn; replaces aspartic acid 479 with asparagine.
Molecular consequence: missense variant.
Genome position (GRCh38, 1-based): chr13:32,332,913, G>A. VCF-style: chr13-32332913-G-A. GRCh37 (hg19) VCF-style: chr13-32907050-G-A.
Other names: short protein forms D479N.
Identifiers: ClinVar variation 819207 (VCV000819207.10), dbSNP rs1593892861, ClinGen allele CA387764281.
Genomic context (GRCh38, chr13:32,332,913, plus strand): 5'-TTAAATGAGGAAACAGTGGTAAATAAGAGAGATGAAGAGCAGCATCTTGAATCTCATACA[G>A]ACTGCATTCTTGCAGTAAAGCAGGCAATATCTGGAACTTCTCCAGTGGCTTCTTCATTTC-3'
Protein context (NP_000050.3, residues 469-489): DEEQHLESHT[Asp479Asn]CILAVKQAIS